The following is an entry in ClinVar:

ClinVar aggregate classification (germline): Pathogenic (1 of 4 stars; one submission).

Conditions:
Inborn genetic diseases. Identifiers: MedGen C0950123, MeSH D030342.

Submission:

Ambry Genetics
Classification: Pathogenic for Inborn genetic diseases. Last evaluated: 2025-03-06. Review status: criteria provided, single submitter. Criteria: Ambry Variant Classification Scheme 2023. Collection method: clinical testing. Allele origin: germline.
Comment: The c.1309_1315delCACAAGT (p.H437Gfs*22) alteration, located in exon 14 (coding exon 14) of the PORCN gene, consists of a deletion of 7 nucleotides from position 1309 to 1315, causing a translational frameshift with a predicted alternate stop codon after 22 amino acids. This variant is not expected to trigger nonsense-mediated mRNA decay, and impacts the last 5% of the protein. However, premature stop codons are typically deleterious in nature, and the impacted region is critical for protein function (Ambry internal data). This variant was not reported in population-based cohorts in the Genome Aggregation Database (gnomAD). Based on the available evidence, this alteration is classified as pathogenic.

NM_203475.3(PORCN):c.1309_1315del (p.His437fs)

Gene: PORCN (porcupine O-acyltransferase; plus strand). Cytogenetic location: Xp11.23.
Variant type: Deletion.
Coding change: c.1309_1315del on transcript NM_203475.3 (MANE Select); coding-DNA positions 1309 to 1315, 7 bases deleted (CACAAGT; older notation c.1309_1315delCACAAGT).
Protein change: p.His437fs; shifts the reading frame from histidine 437.
Molecular consequence: frameshift variant.
Genome position (GRCh38, 1-based): chrX:48,520,399-48,520,405, CACAAGT deleted. VCF-style (leftmost placement, unchanged base first): chrX-48520398-CCACAAGT-C. GRCh37 (hg19) VCF-style: chrX-48378786-CCACAAGT-C.
Other names: c.1063_1069del, p.His355fs (NM_001282167.2); c.1276_1282del, p.His426fs (NM_022825.4); c.1294_1300del, p.His432fs (NM_203473.3); c.1291_1297del, p.His431fs (NM_203474.1); short protein forms H426fs, H432fs, H431fs, H355fs, H437fs.
Identifiers: ClinVar variation 3781969 (VCV003781969.1).